The following is an entry in ClinVar:

ClinVar aggregate classification (germline): Likely benign (1 of 4 stars; one submission).

Submission:

CeGaT Center for Human Genetics Tuebingen
Classification: Likely benign. Last evaluated: 2026-07-01. Review status: criteria provided, single submitter. Criteria: CeGaT Center For Human Genetics Tuebingen Variant Classification Criteria Version 2. Collection method: clinical testing. Allele origin: germline. Affected: yes. Observed: 2 variant alleles.
Comment: MUC3A: PM2:Supporting, BP4, BP7

NM_005960.2(MUC3A):c.7462_7463delinsTC (p.Ser2488=)

Gene: MUC3A (mucin 3A, cell surface associated; plus strand). Cytogenetic location: 7q22.1.
Variant type: Indel.
Coding change: c.7462_7463delinsTC on transcript NM_005960.2 (MANE Select); coding-DNA positions 7462 to 7463, AG replaced by TC.
Protein change: p.Ser2488=; no amino-acid change (serine 2488 retained).
Molecular consequence: synonymous variant.
Genome position (GRCh38, 1-based): chr7:100,959,241-100,959,242, AG replaced by TC. VCF-style: chr7-100959241-AG-TC. GRCh37 (hg19) VCF-style: chr7-100551370-AG-TC.
Identifiers: ClinVar variation 4874419 (VCV004874419.2).